The following is an entry in ClinVar:

ClinVar aggregate classification (germline): Benign/Likely benign. Review status: criteria provided, multiple submitters, no conflicts (2 of 4 stars). 2 submissions from 2 submitters: Benign (1); Likely benign (1). Last evaluated 2026-07-01.

Conditions:
Sessile serrated polyposis cancer syndrome (SSPCS). Identifiers: Orphanet 157798, MedGen C4310714, MONDO:0014919, OMIM 617108.

gnomAD v4.1: 2 of 1,613,650 alleles (0.00012%); highest among the groups gnomAD compares: Non-Finnish European, 0.00017%; no homozygotes.

Submissions (2):

Myriad Genetics, Inc.
Classification: Benign for Sessile serrated polyposis cancer syndrome. Last evaluated: 2026-07-01. Review status: criteria provided, single submitter. Criteria: Myriad Autosomal Dominant, Autosomal Recessive and X-Linked Classification Criteria (2023). Collection method: clinical testing. Allele origin: unknown.
Comment: This variant is considered benign. This variant is a silent/synonymous amino acid change and it is not expected to impact splicing.

Ambry Genetics
Classification: Likely benign. Last evaluated: 2025-03-05. Review status: criteria provided, single submitter. Criteria: Ambry Variant Classification Scheme 2023. Collection method: clinical testing. Allele origin: germline.

NM_017763.6(RNF43):c.1260C>T (p.His420=)

Gene: RNF43 (ring finger protein 43; minus strand). Cytogenetic location: 17q22.
Variant type: single nucleotide variant.
Coding change: c.1260C>T on transcript NM_017763.6 (MANE Select); coding-DNA position 1260, C replaced by T.
Protein change: p.His420=; no amino-acid change (histidine 420 retained).
Molecular consequence: synonymous variant.
Genome position (GRCh38, 1-based): chr17:58,358,516, G>A on the plus strand (C>T on the coding strand, the complement: RNF43 is on the minus strand). VCF-style: chr17-58358516-G-A. GRCh37 (hg19) VCF-style: chr17-56435877-G-A.
Other names: c.1260C>T, p.His420= (NM_001305544.3); c.879C>T, p.His293= (NM_001305545.2).
Identifiers: ClinVar variation 3789963 (VCV003789963.2).